The following is an entry in ClinVar:

NM_000092.5(COL4A4):c.4082-2A>G

Gene: COL4A4 (collagen type IV alpha 4 chain; minus strand). Cytogenetic location: 2q36.3.
Variant type: single nucleotide variant.
Coding change: c.4082-2A>G on transcript NM_000092.5 (MANE Select); the canonical splice acceptor site of the intron before coding-DNA position 4082, A replaced by G.
Molecular consequence: splice acceptor variant.
Genome position (GRCh38, 1-based): chr2:227,025,812, T>C on the plus strand (A>G on the coding strand, the complement: COL4A4 is on the minus strand). VCF-style: chr2-227025812-T-C. GRCh37 (hg19) VCF-style: chr2-227890528-T-C.
Identifiers: ClinVar variation 2828776 (VCV002828776.3), dbSNP rs2473119530, ClinGen allele CA350836920.
Genomic context (GRCh38, chr2:227,025,812, plus strand): 5'-GACTAGAAACCAGAGTGAGGGGAAATTACCAATTTTATAGCAAAGCTTACCTCTGGGACC[T>C]AGAGGGATCCAAAGACAACAAACGAGGCCAGTCCATGATTTTCACAGGGTGGAAAGAGAT-3'

ClinVar aggregate classification (germline): Likely pathogenic (1 of 4 stars; one submission).

Submission:

Labcorp Genetics (formerly Invitae), Labcorp
Classification: Likely pathogenic. Last evaluated: 2023-05-12. Review status: criteria provided, single submitter. Criteria: Invitae Variant Classification Sherloc (09022015). Collection method: clinical testing. Allele origin: germline.
Comment: This variant has not been reported in the literature in individuals affected with COL4A4-related conditions. This variant is not present in population databases (gnomAD no frequency). This sequence change affects an acceptor splice site in intron 42 of the COL4A4 gene. It is expected to disrupt RNA splicing. Variants that disrupt the donor or acceptor splice site typically lead to a loss of protein function (PMID: 16199547), and loss-of-function variants in COL4A4 are known to be pathogenic (PMID: 21196518, 24854265, 25307543). Algorithms developed to predict the effect of sequence changes on RNA splicing suggest that this variant may disrupt the consensus splice site. In summary, the currently available evidence indicates that the variant is pathogenic, but additional data are needed to prove that conclusively. Therefore, this variant has been classified as Likely Pathogenic.

Literature cited by the submitters: PubMed 16199547; PubMed 21196518; PubMed 24854265; PubMed 25307543.